The following is an entry in ClinVar:

NM_000540.3(RYR1):c.1302G>A (p.Ala434=)

Gene: RYR1 (ryanodine receptor 1; plus strand). Cytogenetic location: 19q13.2.
Variant type: single nucleotide variant.
Coding change: c.1302G>A on transcript NM_000540.3 (MANE Select); coding-DNA position 1302, G replaced by A.
Protein change: p.Ala434=; no amino-acid change (alanine 434 retained).
Molecular consequence: synonymous variant.
Genome position (GRCh38, 1-based): chr19:38,452,876, G>A. VCF-style: chr19-38452876-G-A. GRCh37 (hg19) VCF-style: chr19-38943516-G-A.
Other names: c.1302G>A, p.Ala434= (NM_001042723.2).
Identifiers: ClinVar variation 2731867 (VCV002731867.4), dbSNP rs747616962, ClinGen allele CA059548.

ClinVar aggregate classification (germline): Likely benign. Review status: criteria provided, multiple submitters, no conflicts (2 of 4 stars). 2 submissions from 2 submitters: Likely benign (2). Last evaluated 2025-09-10.

Conditions:
RYR1-related disorder. Also called: RYR1-related disorders; RYR1-related condition. Identifiers: MedGen CN239331.

Allele frequency attached by ClinVar (database versions not stated): TOPMed below 0.00001; ExAC 0.00001; gnomAD 0.00001; gnomAD exomes 0.00001.
gnomAD v4.1: 20 of 1,610,794 alleles (0.0012%); highest among the groups gnomAD compares: Admixed American, 0.005%; no homozygotes.

Submissions (2):

PreventionGenetics, part of Exact Sciences
Classification: Likely benign for RYR1-related condition. Last evaluated: 2025-09-10. Review status: criteria provided, single submitter. Criteria: ACMG Guidelines, 2015. Collection method: clinical testing. Allele origin: germline.
Comment: This variant is classified as likely benign based on ACMG/AMP sequence variant interpretation guidelines (Richards et al. 2015 PMID: 25741868, with internal and published modifications).

Labcorp Genetics (formerly Invitae), Labcorp
Classification: Likely benign for RYR1-related disorder. Last evaluated: 2024-08-27. Review status: criteria provided, single submitter. Criteria: Invitae Variant Classification Sherloc (09022015). Collection method: clinical testing. Allele origin: germline.